The following is an entry in ClinVar:

ClinVar aggregate classification (germline): Uncertain significance (1 of 4 stars; one submission).

Conditions:
Brugada syndrome 8 (BRGDA8). Identifiers: Orphanet 130, MedGen C2751083, MONDO:0013148, OMIM 613123.

Submission:

Labcorp Genetics (formerly Invitae), Labcorp
Classification: Uncertain significance for Brugada syndrome 8. Last evaluated: 2024-03-20. Review status: criteria provided, single submitter. Criteria: Invitae Variant Classification Sherloc (09022015). Collection method: clinical testing. Allele origin: germline.
Comment: This sequence change replaces alanine, which is neutral and non-polar, with aspartic acid, which is acidic and polar, at codon 61 of the HCN4 protein (p.Ala61Asp). This variant is not present in population databases (gnomAD no frequency). This variant has not been reported in the literature in individuals affected with HCN4-related conditions. Advanced modeling of protein sequence and biophysical properties (such as structural, functional, and spatial information, amino acid conservation, physicochemical variation, residue mobility, and thermodynamic stability) performed at Invitae indicates that this missense variant is not expected to disrupt HCN4 protein function with a negative predictive value of 95%. In summary, the available evidence is currently insufficient to determine the role of this variant in disease. Therefore, it has been classified as a Variant of Uncertain Significance.

NM_005477.3(HCN4):c.182C>A (p.Ala61Asp)

Gene: HCN4 (hyperpolarization activated cyclic nucleotide gated potassium channel 4; minus strand). Cytogenetic location: 15q24.1.
Variant type: single nucleotide variant.
Coding change: c.182C>A on transcript NM_005477.3 (MANE Select); coding-DNA position 182, C replaced by A.
Protein change: p.Ala61Asp; replaces alanine 61 with aspartic acid.
Molecular consequence: missense variant.
Genome position (GRCh38, 1-based): chr15:73,368,089, G>T on the plus strand (C>A on the coding strand, the complement: HCN4 is on the minus strand). VCF-style: chr15-73368089-G-T. GRCh37 (hg19) VCF-style: chr15-73660430-G-T.
Other names: short protein forms A61D.
Identifiers: ClinVar variation 3636625 (VCV003636625.2).